The following is an entry in ClinVar:

ClinVar aggregate classification (germline): Uncertain significance (1 of 4 stars; one submission).

Conditions:
Charcot-Marie-Tooth Neuropathy X. Identifiers: MedGen CN118851.

Submission:

Labcorp Genetics (formerly Invitae), Labcorp
Classification: Uncertain significance for Charcot-Marie-Tooth Neuropathy X. Last evaluated: 2025-02-02. Review status: criteria provided, single submitter. Criteria: Invitae Variant Classification Sherloc (09022015). Collection method: clinical testing. Allele origin: germline.
Comment: This sequence change replaces isoleucine, which is neutral and non-polar, with valine, which is neutral and non-polar, at codon 127 of the GJB1 protein (p.Ile127Val). This variant is not present in population databases (gnomAD no frequency). This missense change has been observed in individuals with Charcot-Marie-Tooth disease (PMID: 29174527, 36175785). Invitae Evidence Modeling of protein sequence and biophysical properties (such as structural, functional, and spatial information, amino acid conservation, physicochemical variation, residue mobility, and thermodynamic stability) has been performed for this missense variant. However, the output from this modeling did not meet the statistical confidence thresholds required to predict the impact of this variant on GJB1 protein function. This variant disrupts the p.Ile127 amino acid residue in GJB1. Other variant(s) that disrupt this residue have been observed in individuals with GJB1-related conditions (PMID: 15468313, 32010055), which suggests that this may be a clinically significant amino acid residue. In summary, the available evidence is currently insufficient to determine the role of this variant in disease. Therefore, it has been classified as a Variant of Uncertain Significance.

Literature cited by the submitters: PubMed 29174527; PubMed 36175785; PubMed 15468313; PubMed 32010055.

NM_000166.6(GJB1):c.379A>G (p.Ile127Val)

Gene: GJB1 (gap junction protein beta 1; plus strand). Cytogenetic location: Xq13.1.
Variant type: single nucleotide variant.
Coding change: c.379A>G on transcript NM_000166.6 (MANE Select); coding-DNA position 379, A replaced by G.
Protein change: p.Ile127Val; replaces isoleucine 127 with valine.
Molecular consequence: missense variant.
Genome position (GRCh38, 1-based): chrX:71,224,086, A>G. VCF-style: chrX-71224086-A-G. GRCh37 (hg19) VCF-style: chrX-70443936-A-G.
Other names: c.379A>G, p.Ile127Val (NM_001097642.3, NM_001440770.1); short protein forms I127V.
Identifiers: ClinVar variation 4710802 (VCV004710802.1).